The following is an entry in ClinVar:

NM_000540.3(RYR1):c.7292A>T (p.Asp2431Val)

Gene: RYR1 (ryanodine receptor 1; plus strand). Cytogenetic location: 19q13.2.
Variant type: single nucleotide variant.
Coding change: c.7292A>T on transcript NM_000540.3 (MANE Select); coding-DNA position 7292, A replaced by T.
Protein change: p.Asp2431Val; replaces aspartic acid 2431 with valine.
Molecular consequence: missense variant.
Genome position (GRCh38, 1-based): chr19:38,499,985, A>T. VCF-style: chr19-38499985-A-T. GRCh37 (hg19) VCF-style: chr19-38990625-A-T.
Other names: c.7292A>T, p.Asp2431Val (NM_001042723.2); short protein forms D2431V.
Identifiers: ClinVar variation 1210302 (VCV001210302.5), dbSNP rs2145602229, ClinGen allele CA405669526.

ClinVar aggregate classification (germline): Likely pathogenic (3 of 4 stars; one submission).

Conditions:
Malignant hyperthermia, susceptibility to, 1 (MHS1). Also called: Malignant hyperthermia suceptibility 1; Anesthesia related hyperthermia; Malignant hyperpyrexia; Fulminating hyperpyrexia; Pharmacogenic myopathy; RYR1-Related Malignant Hyperthermia Susceptibility. Identifiers: Orphanet 423, MedGen C2930980, MONDO:0007783, OMIM 145600.

Submission:

ClinGen Malignant Hyperthermia Susceptibility Variant Curation Expert Panel, ClinGen
Classification: Likely pathogenic for Malignant hyperthermia, susceptibility to, 1. Last evaluated: 2026-04-10. Review status: reviewed by expert panel. Criteria: ClinGen MHS ACMG Specifications V2. Collection method: curation. Allele origin: germline. Inheritance: Autosomal dominant inheritance.
Comment: This pathogenicity assessment is relevant only for malignant hyperthermia susceptibility (MHS) inherited in an autosomal dominant pattern. Variants in RYR1 can also cause other myopathies inherited in an autosomal dominant pattern or in an autosomal recessive pattern. Some of these disorders may predispose individuals to malignant hyperthermia. RYR1 variants may also contribute to a malignant hyperthermia reaction in combination with other genetic and non-genetic factors and the clinician needs to consider such factors in making management decisions. This sequence variant predicts a substitution of aspartic acid with valine at codon 2431 of the RYR1 protein, p.(Asp2431Val). This variant was not present in a large population database (gnomAD v4.1.0) at the time this variant was classified. This variant has been reported in three unrelated individuals who had a personal or family history of a malignant hyperthermia reaction, two of these individuals had a positive in vitro contracture test (IVCT) or caffeine halothane contracture test (CHCT) result (if the proband was unavailable for testing, a positive diagnostic test result in a variant-positive relative was counted), PS4_Moderate (PMID: 30236257; 41153347; 41339169). Functional studies in HEK293 cells showed an increased sensitivity to RYR1 agonists, PS3_Moderate (PMID: 41339169). This variant resides in a region of RYR1 considered to be a hotspot for pathogenic variants that contribute to MHS, use PM1_Supporting to avoid overweighting with PM5 (PMID: 21118704). Another variant assessed as likely pathogenic occurs at this codon, p.(Asp2431Asn), PM5_Supporting. A REVEL score >0.85 (0.952) supports a pathogenic status for this variant, PP3_Moderate. This variant has been classified as Likely Pathogenic. Criteria implemented: PS3_Moderate, PS4_Moderate, PM1_Supporting, PM5_Supporting, PP3_Moderate.